The following is an entry in ClinVar:

ClinVar aggregate classification (germline): Uncertain significance (1 of 4 stars; one submission).

Conditions:
Developmental and epileptic encephalopathy, 23 (DEE23). Also called: Epileptic encephalopathy, early infantile, 23. Identifiers: Orphanet 411986, MedGen C4014492, MONDO:0014371, OMIM 615859.

Allele frequency attached by ClinVar (database versions not stated): gnomAD exomes below 0.00001.
gnomAD v4.1: 1 of 1,610,664 alleles (0.000062%); highest among the groups gnomAD compares: East Asian, 0.0022%; no homozygotes.

Submission:

Labcorp Genetics (formerly Invitae), Labcorp
Classification: Uncertain significance for Developmental and epileptic encephalopathy, 23. Last evaluated: 2023-08-31. Review status: criteria provided, single submitter. Criteria: Invitae Variant Classification Sherloc (09022015). Collection method: clinical testing. Allele origin: germline.
Comment: In summary, the available evidence is currently insufficient to determine the role of this variant in disease. Therefore, it has been classified as a Variant of Uncertain Significance. Algorithms developed to predict the effect of sequence changes on RNA splicing suggest that this variant may create or strengthen a splice site. Advanced modeling of protein sequence and biophysical properties (such as structural, functional, and spatial information, amino acid conservation, physicochemical variation, residue mobility, and thermodynamic stability) performed at Invitae indicates that this missense variant is not expected to disrupt DOCK7 protein function. This variant has not been reported in the literature in individuals affected with DOCK7-related conditions. This variant is present in population databases (rs769332967, gnomAD 0.006%). This sequence change replaces serine, which is neutral and polar, with phenylalanine, which is neutral and non-polar, at codon 1734 of the DOCK7 protein (p.Ser1734Phe).

NM_001367561.1(DOCK7):c.5228C>T (p.Ser1743Phe)

Gene: DOCK7 (dedicator of cytokinesis 7; minus strand). Cytogenetic location: 1p31.3.
Variant type: single nucleotide variant.
Coding change: c.5228C>T on transcript NM_001367561.1 (MANE Select); coding-DNA position 5228, C replaced by T.
Protein change: p.Ser1743Phe; replaces serine 1743 with phenylalanine.
Molecular consequence: missense variant.
Genome position (GRCh38, 1-based): chr1:62,492,837, G>A on the plus strand (C>T on the coding strand, the complement: DOCK7 is on the minus strand). VCF-style: chr1-62492837-G-A. GRCh37 (hg19) VCF-style: chr1-62958508-G-A.
Other names: c.5201C>T, p.Ser1734Phe (NM_001271999.2, NM_001330614.2); c.5108C>T, p.Ser1703Phe (NM_001272000.2, NM_001272001.2); c.5135C>T, p.Ser1712Phe (NM_033407.4); short protein forms S1734F, S1743F, S1703F, S1712F.
Identifiers: ClinVar variation 2756857 (VCV002756857.3), dbSNP rs769332967, ClinGen allele CA885512.